The following is an entry in ClinVar:

NM_002485.5(NBN):c.714G>T (p.Leu238Phe)

Gene: NBN (nibrin; minus strand). Cytogenetic location: 8q21.3.
Variant type: single nucleotide variant.
Coding change: c.714G>T on transcript NM_002485.5 (MANE Select); coding-DNA position 714, G replaced by T.
Protein change: p.Leu238Phe; replaces leucine 238 with phenylalanine.
Molecular consequence: missense variant.
Genome position (GRCh38, 1-based): chr8:89,970,546, C>A on the plus strand (G>T on the coding strand, the complement: NBN is on the minus strand). VCF-style: chr8-89970546-C-A. GRCh37 (hg19) VCF-style: chr8-90982774-C-A.
Other names: c.468G>T, p.Leu156Phe (NM_001024688.3); short protein forms L156F, L238F.
Identifiers: ClinVar variation 1008907 (VCV001008907.8), dbSNP rs1811466265, ClinGen allele CA371658876.

ClinVar aggregate classification (germline): Uncertain significance (1 of 4 stars; one submission).

Conditions:
Microcephaly, normal intelligence and immunodeficiency (NBS). Also called: BERLIN BREAKAGE SYNDROME; Immunodeficiency, microcephaly with normal intelligence; SEEMANOVA SYNDROME II; Nijmegen breakage syndrome; Microcephaly with normal intelligence immunodeficiency and lymphoreticular malignancies; Nonsyndromal microcephaly autosomal recessive with normal intelligence. Identifiers: Orphanet 647, MedGen C0398791, MONDO:0009623, OMIM 251260.

Submission:

Labcorp Genetics (formerly Invitae), Labcorp
Classification: Uncertain significance for Microcephaly, normal intelligence and immunodeficiency. Last evaluated: 2020-07-30. Review status: criteria provided, single submitter. Criteria: Invitae Variant Classification Sherloc (09022015). Collection method: clinical testing. Allele origin: germline.
Comment: In summary, the available evidence is currently insufficient to determine the role of this variant in disease. Therefore, it has been classified as a Variant of Uncertain Significance. Algorithms developed to predict the effect of missense changes on protein structure and function are either unavailable or do not agree on the potential impact of this missense change (SIFT: "Tolerated"; PolyPhen-2: "Possibly Damaging"; Align-GVGD: "Class C0"). This variant has not been reported in the literature in individuals with NBN-related conditions. This variant is not present in population databases (ExAC no frequency). This sequence change replaces leucine with phenylalanine at codon 238 of the NBN protein (p.Leu238Phe). The leucine residue is highly conserved and there is a small physicochemical difference between leucine and phenylalanine.